The following is an entry in ClinVar:

NC_000009.11:g.(?_134929)_(8733886_?)del

Genes: CDC37L1 (cell division cycle 37 like 1, HSP90 cochaperone; plus strand), DMAC1 (distal membrane arm assembly component 1; minus strand), ERMP1 (endoplasmic reticulum metallopeptidase 1; minus strand), PLPP6 (phospholipid phosphatase 6; plus strand), PDCD1LG2 (programmed cell death 1 ligand 2; plus strand) and 35 more. Cytogenetic location: 9p24.3-24.1.
Variant type: Deletion.
Identifiers: ClinVar variation 3896738 (VCV003896738.1).

ClinVar aggregate classification (germline): Pathogenic (1 of 4 stars; one submission).

Conditions:
Chromosome 9p deletion syndrome. Also called: MONOSOMY 9p SYNDROME; Monosomy 9p; Deletion 9p. Identifiers: Orphanet 261112, MedGen C0795830, MONDO:0008013, OMIM 158170.

Submission:

Pediatrics, Sichuan Provincial Hospital For Women And Children
Classification: Pathogenic for Chromosome 9p deletion syndrome. Review status: criteria provided, single submitter. Criteria: ACMG/ClinGen CNV Guidelines, 2019. Collection method: clinical testing. Allele origin: unknown. Inheritance: Autosomal dominant inheritance.
Comment: 1A(0): This region contains protein-coding genes or other known important functional elements; 2A(1): This region completely overlaps the well-defined haploinsufficient region 9p24.3 (includes DMRT1); 2H(0.15): Two or more haploinsufficiency (HI) prediction algorithms suggest this region contains haploinsufficient genes UHRF2, CDC37L1, RFX3, SMARCA2, PTPRD; 3B(0.45): This region contains 25-34 protein-coding genes.